The following is an entry in ClinVar:

NM_002474.3(MYH11):c.3286C>A (p.Leu1096Met)

Gene: MYH11 (myosin heavy chain 11; minus strand). Cytogenetic location: 16p13.11.
Variant type: single nucleotide variant.
Coding change: c.3286C>A on transcript NM_002474.3 (MANE Select); coding-DNA position 3286, C replaced by A.
Protein change: p.Leu1096Met; replaces leucine 1096 with methionine.
Molecular consequence: missense variant.
Genome position (GRCh38, 1-based): chr16:15,737,456, G>T on the plus strand (C>A on the coding strand, the complement: MYH11 is on the minus strand). VCF-style: chr16-15737456-G-T. GRCh37 (hg19) VCF-style: chr16-15831313-G-T.
Other names: c.3307C>A, p.Leu1103Met (NM_001040113.2, NM_001040114.2); c.3286C>A, p.Leu1096Met (NM_022844.3); short protein forms L1096M, L1103M.
Identifiers: ClinVar variation 264200 (VCV000264200.12), dbSNP rs886039079, ClinGen allele CA10587891.

ClinVar aggregate classification (germline): Uncertain significance. Review status: criteria provided, multiple submitters, no conflicts (2 of 4 stars). 4 submissions from 4 submitters: Uncertain significance (4). Last evaluated 2024-04-11.

Conditions:
Aortic aneurysm, familial thoracic 4 (AAT4). Also called: AORTIC ANEURYSM/AORTIC DISSECTION AND PATENT DUCTUS ARTERIOSUS. Identifiers: MedGen C1851504, MONDO:0007568, OMIM 132900.
Familial thoracic aortic aneurysm and aortic dissection (TAAD). Also called: Thoracic aortic aneurysms and dissections. Identifiers: Orphanet 91387, MedGen C4707243, MONDO:0019625.

Allele frequency attached by ClinVar (database versions not stated): gnomAD exomes below 0.00001; TOPMed below 0.00001; gnomAD 0.00001.
gnomAD v4.1: 4 of 1,612,492 alleles (0.00025%); highest among the groups gnomAD compares: Admixed American, 0.0067%; no homozygotes.

Submissions (4):

Labcorp Genetics (formerly Invitae), Labcorp
Classification: Uncertain significance for Aortic aneurysm, familial thoracic 4. Last evaluated: 2024-04-11. Review status: criteria provided, single submitter. Criteria: Invitae Variant Classification Sherloc (09022015). Collection method: clinical testing. Allele origin: germline.
Comment: This sequence change replaces leucine, which is neutral and non-polar, with methionine, which is neutral and non-polar, at codon 1103 of the MYH11 protein (p.Leu1103Met). This variant is not present in population databases (gnomAD no frequency). This variant has not been reported in the literature in individuals affected with MYH11-related conditions. ClinVar contains an entry for this variant (Variation ID: 264200). Advanced modeling of protein sequence and biophysical properties (such as structural, functional, and spatial information, amino acid conservation, physicochemical variation, residue mobility, and thermodynamic stability) performed at Invitae indicates that this missense variant is not expected to disrupt MYH11 protein function with a negative predictive value of 95%. In summary, the available evidence is currently insufficient to determine the role of this variant in disease. Therefore, it has been classified as a Variant of Uncertain Significance.

All of Us Research Program, National Institutes of Health
Classification: Uncertain significance for Familial thoracic aortic aneurysm and aortic dissection. Last evaluated: 2024-02-22. Review status: criteria provided, single submitter. Criteria: ACMG Guidelines, 2015. Collection method: clinical testing. Allele origin: germline. Inheritance: Autosomal dominant inheritance. Observed: 1 variant allele, 1 heterozygote.
Comment: This missense variant replaces leucine with methionine at codon 1103 of the MYH11 protein. Computational prediction suggests that this variant may not impact protein structure and function (internally defined REVEL score threshold <= 0.5, PMID: 27666373). To our knowledge, functional studies have not been reported for this variant. This variant has not been reported in individuals affected with MYH11-related disorders in the literature. This variant has not been identified in the general population by the Genome Aggregation Database (gnomAD). The available evidence is insufficient to determine the role of this variant in disease conclusively. Therefore, this variant is classified as a Variant of Uncertain Significance.

This study involves interpretation of variants in research participants for the purpose of population health screening. Participant phenotype was not available at the time of variant classification. Additional details can be found in publication PMID: 35346344, PMCID: PMC8962531

Color Diagnostics, LLC DBA Color Health
Classification: Uncertain significance for Familial thoracic aortic aneurysm and aortic dissection. Last evaluated: 2023-12-04. Review status: criteria provided, single submitter. Criteria: ACMG Guidelines, 2015. Collection method: clinical testing. Allele origin: germline.
Comment: This missense variant replaces leucine with methionine at codon 1103 of the MYH11 protein. Computational prediction suggests that this variant may not impact protein structure and function (internally defined REVEL score threshold <= 0.5, PMID: 27666373). To our knowledge, functional studies have not been reported for this variant. This variant has not been reported in individuals affected with MYH11-related disorders in the literature. This variant has not been identified in the general population by the Genome Aggregation Database (gnomAD). The available evidence is insufficient to determine the role of this variant in disease conclusively. Therefore, this variant is classified as a Variant of Uncertain Significance.

Ambry Genetics
Classification: Uncertain significance for Familial thoracic aortic aneurysm and aortic dissection. Last evaluated: 2015-08-11. Review status: criteria provided, single submitter. Criteria: Ambry Variant Classification Scheme 2023. Collection method: clinical testing. Allele origin: germline.
Comment: The p.L1096M variant (also known as c.3286C>A), located in coding exon 24 of the MYH11 gene, results from a C to A substitution at nucleotide position 3286. The leucine at codon 1096 is replaced by methionine, an amino acid with highly similar properties. This variant was not reported in population based cohorts in the following databases: Database of Single Nucleotide Polymorphisms (dbSNP), NHLBI Exome Sequencing Project (ESP), and 1000 Genomes Project. In the ESP, this variant was not observed in 6497 samples (12994 alleles) with coverage at this position. This amino acid position is well conserved in available vertebrate species. In addition, this alteration is predicted to be tolerated by in silico analysis. Since supporting evidence is limited at this time, the clinical significance of this variant remains unclear.